The following is an entry in ClinVar:

ClinVar aggregate classification (germline): Likely benign. Review status: criteria provided, multiple submitters, no conflicts (2 of 4 stars). 5 submissions from 5 submitters: Likely benign (4). 1 of the submissions does not count toward it. Last evaluated 2025-12-23.

Conditions:
DYNC2H1-related disorder. Also called: DYNC2H1-related disorders; DYNC2H1-related condition. Identifiers: MedGen CN378770.
Jeune thoracic dystrophy. Also called: Jeune syndrome; Infantile thoracic dystrophy; Thoracic pelvic phalangeal dystrophy; Jeune's syndrome; Chondroectodermal dysplasia-like syndrome; Short-rib thoracic dysplasia. Identifiers: Orphanet 474, MedGen C0265275, MONDO:0018770.
Asphyxiating thoracic dystrophy 3. Also called: Saldino-Noonan Syndrome; SHORT-RIB THORACIC DYSPLASIA 3 WITH OR WITHOUT POLYDACTYLY; Short rib polydactyly syndrome 2B; SHORT-RIB THORACIC DYSPLASIA 3/6 WITH POLYDACTYLY, DIGENIC; POLYDACTYLY WITH NEONATAL CHONDRODYSTROPHY, TYPE I. Identifiers: Orphanet 474, Orphanet 93269, Orphanet 93270, Orphanet 93271, MedGen C0036069, MONDO:0013127, OMIM 613091.

Allele frequency attached by ClinVar (database versions not stated): ExAC 0.00005; gnomAD 0.00005 and 0.00006; gnomAD exomes 0.00005 and 0.00006; ESP Exome Variant Server 0.00008; TOPMed 0.00008; 1000 Genomes Project 30x 0.00016; 1000 Genomes Project 0.00020.
gnomAD v4.1: 89 of 1,613,182 alleles (0.0055%); highest among the groups gnomAD compares: Middle Eastern, 0.083%; 1 homozygote.

Submissions (5):

Labcorp Genetics (formerly Invitae), Labcorp
Classification: Likely benign for Jeune thoracic dystrophy. Last evaluated: 2025-12-23. Review status: criteria provided, single submitter. Criteria: Invitae Variant Classification Sherloc (09022015). Collection method: clinical testing. Allele origin: germline.

Blueprint Genetics
Classification: Likely benign. Last evaluated: 2024-04-17. Review status: criteria provided, single submitter. Criteria: ACMG Guidelines, 2015. Collection method: clinical testing. Allele origin: germline.

ARUP Laboratories, Molecular Genetics and Genomics, ARUP Laboratories
Classification: Likely benign for Asphyxiating thoracic dystrophy 3. Last evaluated: 2024-03-22. Review status: criteria provided, single submitter. Criteria: ARUP Molecular Germline Variant Investigation Process 2024. Collection method: clinical testing. Allele origin: germline.

Breakthrough Genomics
Classification: Likely benign. Review status: criteria provided, single submitter. Criteria: ACMG Guidelines, 2015. Collection method: not provided. Allele origin: germline. Inheritance: Autosomal recessive inheritance. Affected: yes.

PreventionGenetics, part of Exact Sciences
Classification: Likely benign for DYNC2H1-related condition. Last evaluated: 2019-06-25. Review status: no assertion criteria provided. Collection method: clinical testing. Allele origin: germline. Not counted in ClinVar's aggregate classification.
Comment: This variant is classified as likely benign based on ACMG/AMP sequence variant interpretation guidelines (Richards et al. 2015 PMID: 25741868, with internal and published modifications).

NM_001377.3(DYNC2H1):c.4899T>C (p.Tyr1633=)

Gene: DYNC2H1 (dynein cytoplasmic 2 heavy chain 1; plus strand). Cytogenetic location: 11q22.3.
Variant type: single nucleotide variant.
Coding change: c.4899T>C on transcript NM_001377.3 (MANE Select); coding-DNA position 4899, T replaced by C.
Protein change: p.Tyr1633=; no amino-acid change (tyrosine 1633 retained).
Molecular consequence: synonymous variant.
Genome position (GRCh38, 1-based): chr11:103,168,891, T>C. VCF-style: chr11-103168891-T-C. GRCh37 (hg19) VCF-style: chr11-103039620-T-C.
Other names: c.4899T>C, p.Tyr1633= (NM_001080463.2).
Identifiers: ClinVar variation 695216 (VCV000695216.12), dbSNP rs181546925, ClinGen allele CA6253648.